The following is an entry in ClinVar:

NM_018112.3(TMEM38B):c.647T>C (p.Ile216Thr)

Gene: TMEM38B (transmembrane protein 38B; plus strand). Cytogenetic location: 9q31.2.
Variant type: single nucleotide variant.
Coding change: c.647T>C on transcript NM_018112.3 (MANE Select); coding-DNA position 647, T replaced by C.
Protein change: p.Ile216Thr; replaces isoleucine 216 with threonine.
Molecular consequence: missense variant.
Genome position (GRCh38, 1-based): chr9:105,748,177, T>C. VCF-style: chr9-105748177-T-C. GRCh37 (hg19) VCF-style: chr9-108510458-T-C.
Other names: c.647T>C (NM_018112.2); short protein forms I216T.
Identifiers: ClinVar variation 2082033 (VCV002082033.5), dbSNP rs1837501645, ClinGen allele CA374381165.
Genomic context (GRCh38, chr9:105,748,177, plus strand): 5'-AGCACACCCAGCATCTGGCAATATCAAAGCATAATCTTATGTTCCTTTATACCATCTTTA[T>C]TGTGGCCACAAAGGTAAGAATTCAAAGTACCTATAATTATTACAAATCCTGTATAACTAT-3'
Protein context (NP_060582.1, residues 206-226): HNLMFLYTIF[Ile216Thr]VATKITMMTT

ClinVar aggregate classification (germline): Uncertain significance. Review status: criteria provided, multiple submitters, no conflicts (2 of 4 stars). 2 submissions from 2 submitters: Uncertain significance (2). Last evaluated 2024-11-20.

Submissions (2):

GeneDx
Classification: Uncertain significance. Last evaluated: 2024-11-20. Review status: criteria provided, single submitter. Criteria: GeneDx Variant Classification Process June 2021. Collection method: clinical testing. Allele origin: germline. Affected: yes.
Comment: Not observed at significant frequency in large population cohorts (gnomAD); In silico analysis indicates that this missense variant does not alter protein structure/function; Has not been previously published as pathogenic or benign to our knowledge

Labcorp Genetics (formerly Invitae), Labcorp
Classification: Uncertain significance. Last evaluated: 2023-10-13. Review status: criteria provided, single submitter. Criteria: Invitae Variant Classification Sherloc (09022015). Collection method: clinical testing. Allele origin: germline.
Comment: This sequence change replaces isoleucine, which is neutral and non-polar, with threonine, which is neutral and polar, at codon 216 of the TMEM38B protein (p.Ile216Thr). This variant is not present in population databases (gnomAD no frequency). This variant has not been reported in the literature in individuals affected with TMEM38B-related conditions. ClinVar contains an entry for this variant (Variation ID: 2082033). An algorithm developed to predict the effect of missense changes on protein structure and function (PolyPhen-2) suggests that this variant is likely to be tolerated. In summary, the available evidence is currently insufficient to determine the role of this variant in disease. Therefore, it has been classified as a Variant of Uncertain Significance.